The following is an entry in ClinVar:

NM_002661.5(PLCG2):c.3379C>T (p.Pro1127Ser)

Gene: PLCG2 (phospholipase C gamma 2; plus strand). Cytogenetic location: 16q23.3.
Variant type: single nucleotide variant.
Coding change: c.3379C>T on transcript NM_002661.5 (MANE Select); coding-DNA position 3379, C replaced by T.
Protein change: p.Pro1127Ser; replaces proline 1127 with serine.
Molecular consequence: missense variant.
Genome position (GRCh38, 1-based): chr16:81,939,957, C>T. VCF-style: chr16-81939957-C-T. GRCh37 (hg19) VCF-style: chr16-81973562-C-T.
Other names: c.3379C>T, p.Pro1127Ser (NM_001425749.1, NM_001425750.1, NM_001425751.1); short protein forms P1127S.
Identifiers: ClinVar variation 3670209 (VCV003670209.2).
Genomic context (GRCh38, chr16:81,939,957, plus strand): 5'-AATGGCCTCAGCCCTATCTGGGCTCCAACACAGGAGAAGGTGACATTTGAAATTTATGAC[C>T]CAAACCTGGCATTTCTGCGCTTTGTGGTTTATGAAGAAGATATGTTCAGCGATCCCAACT-3'
Protein context (NP_002652.2, residues 1117-1137): QEKVTFEIYD[Pro1127Ser]NLAFLRFVVY

ClinVar aggregate classification (germline): Uncertain significance (1 of 4 stars; one submission).

Conditions:
Familial cold autoinflammatory syndrome 3 (FCAS3). Also called: FAMILIAL ATYPICAL COLD URTICARIA; ANTIBODY DEFICIENCY AND IMMUNE DYSREGULATION, PLCG2-ASSOCIATED. Identifiers: Orphanet 300359, MedGen C3280914, MONDO:0013766, OMIM 614468.

gnomAD v4.1: 1 of 1,613,826 alleles (0.000062%); highest among the groups gnomAD compares: Non-Finnish European, 0.000085%; no homozygotes.

Submission:

Labcorp Genetics (formerly Invitae), Labcorp
Classification: Uncertain significance for Familial cold autoinflammatory syndrome 3. Last evaluated: 2025-10-02. Review status: criteria provided, single submitter. Criteria: Invitae Variant Classification Sherloc (09022015). Collection method: clinical testing. Allele origin: germline.
Comment: This sequence change replaces proline, which is neutral and non-polar, with serine, which is neutral and polar, at codon 1127 of the PLCG2 protein (p.Pro1127Ser). This variant is not present in population databases (gnomAD no frequency). This variant has not been reported in the literature in individuals affected with PLCG2-related conditions. ClinVar contains an entry for this variant (Variation ID: 3670209). An algorithm developed to predict the effect of missense changes on protein structure and function (PolyPhen-2) suggests that this variant is likely to be disruptive. In summary, the available evidence is currently insufficient to determine the role of this variant in disease. Therefore, it has been classified as a Variant of Uncertain Significance.